The following is an entry in ClinVar:

ClinVar aggregate classification (germline): Benign. Review status: criteria provided, multiple submitters, no conflicts (2 of 4 stars). 5 submissions from 5 submitters: Benign (4). 1 of the submissions does not count toward it. Last evaluated 2023-03-23.

Conditions:
PLIN1-related familial partial lipodystrophy. Also called: LIPODYSTROPHY, FAMILIAL PARTIAL, ASSOCIATED WITH PLIN1 MUTATIONS. Identifiers: Orphanet 280356, MedGen C5191005, MONDO:0013478, OMIM 613877.

Allele frequency attached by ClinVar (database versions not stated): 1000 Genomes Project 0.89577; 1000 Genomes Project 30x 0.90162; TOPMed 0.95311; gnomAD exomes 0.97561; ESP Exome Variant Server 0.98938.
gnomAD v4.1: 1,570,145 of 1,611,936 alleles (97%); highest among the groups gnomAD compares: Non-Finnish European, 100%; 768,045 homozygotes.

Submissions (5):

Mayo Clinic Laboratories, Mayo Clinic
Classification: Benign. Last evaluated: 2023-03-23. Review status: criteria provided, single submitter. Criteria: ACMG Guidelines, 2015. Collection method: clinical testing. Allele origin: germline. Observed: 49 variant alleles.
Comment: BA1, BS2, BP4

Genome-Nilou Lab
Classification: Benign for PLIN1-related familial partial lipodystrophy. Last evaluated: 2021-10-25. Review status: criteria provided, single submitter. Criteria: ACMG Guidelines, 2015. Collection method: clinical testing. Allele origin: germline. Affected: no.

GeneDx
Classification: Benign. Last evaluated: 2018-11-12. Review status: criteria provided, single submitter. Criteria: GeneDx Variant Classification Process June 2021. Collection method: clinical testing. Allele origin: germline. Affected: yes.
Comment: This variant is associated with the following publications: (PMID: 25529448)

Breakthrough Genomics
Classification: Benign. Review status: criteria provided, single submitter. Criteria: ACMG Guidelines, 2015. Collection method: not provided. Allele origin: germline. Inheritance: Autosomal dominant inheritance. Affected: yes.

Genetic Services Laboratory, University of Chicago
Classification: Likely benign for AllHighlyPenetrant. Review status: no assertion criteria provided. Collection method: clinical testing. Allele origin: germline. Inheritance: Autosomal dominant inheritance. Not counted in ClinVar's aggregate classification.
Comment: Likely benign based on allele frequency in 1000 Genomes Project or ESP global frequency and its presence in a patient with a rare or unrelated disease phenotype. NOT Sanger confirmed.

NM_002666.5(PLIN1):c.580C>G (p.Pro194Ala)

Gene: PLIN1 (perilipin 1; minus strand). Cytogenetic location: 15q26.1.
Variant type: single nucleotide variant.
Coding change: c.580C>G on transcript NM_002666.5 (MANE Select); coding-DNA position 580, C replaced by G.
Protein change: p.Pro194Ala; replaces proline 194 with alanine.
Molecular consequence: missense variant.
Genome position (GRCh38, 1-based): chr15:89,669,998, G>C on the plus strand (C>G on the coding strand, the complement: PLIN1 is on the minus strand). VCF-style: chr15-89669998-G-C. GRCh37 (hg19) VCF-style: chr15-90213229-G-C.
Other names: c.580C>G, p.Pro194Ala (NM_001145311.2); short protein forms P194A.
Identifiers: ClinVar variation 129973 (VCV000129973.12), dbSNP rs6496589, ClinGen allele CA154702.
Genomic context (GRCh38, chr15:89,669,998, plus strand): 5'-GTGACAACTCACTCCCAGGCCGAGCCTCCGAATGGCAGGTACCTGACTCTTCCTTGTCTG[G>C]AGGGAGGAGGTACTCCACCACCTTCTCAATGCTGCCCAAGGCCAAGTCGGCCCCTCCAGA-3'
Protein context (NP_002657.3, residues 184-204): IEKVVEYLLP[Pro194Ala]DKEESAPAPG